The following is an entry in ClinVar:

NM_001144958.2(CRACR2A):c.50_51del (p.Gln17fs)

Gene: CRACR2A (calcium release activated channel regulator 2A; minus strand). Cytogenetic location: 12p13.32.
Variant type: Deletion.
Coding change: c.50_51del on transcript NM_001144958.2 (MANE Select); coding-DNA positions 50 to 51, 2 bases deleted (AG; older notation c.50_51delAG).
Protein change: p.Gln17fs; shifts the reading frame from glutamine 17.
Molecular consequence: frameshift variant.
Genome position (GRCh38, 1-based): chr12:3,696,949-3,696,950, CT deleted on the plus strand (AG on the coding strand, the reverse complement: CRACR2A is on the minus strand). VCF-style (leftmost placement, unchanged base first): chr12-3696948-CCT-C. GRCh37 (hg19) VCF-style: chr12-3806114-CCT-C.
Other names: c.50_51del, p.Gln17fs (NM_032680.4); short protein forms Q17fs.
Identifiers: ClinVar variation 4880070 (VCV004880070.1).
Genomic context (GRCh38, chr12:3,696,948, plus strand): 5'-GCTCCAGGCTGTCCAGGGGATGCAGGCAGGCTCCACTCCCCTTTGGCCCCTGGCCAGACC[CCT>C]GACCAAGTCTCTGGGGTCTGGAGACTACCCTCCCGTCAGGGGCAGCCATCGCGATTAGTC-3'

ClinVar aggregate classification (germline): Uncertain significance (1 of 4 stars; one submission).

Conditions:
Primary ciliary dyskinesia. Also called: Ciliary dyskinesia. Identifiers: Orphanet 244, MedGen C0008780, MONDO:0016575, HP:0012265.

Submission:

Department of Human Genetics, Hannover Medical School
Classification: Uncertain significance for Primary Ciliary Dyskinesia. Last evaluated: 2026-04-01. Review status: criteria provided, single submitter. Criteria: ACMG Guidelines, 2015. Collection method: research. Allele origin: germline. Affected: no.
Comment: Classification performed by HerediClassify using the following criteria:['PM2_supporting: Variant occures does not occur as homozygous in gnomAD.', 'PVS1_protein_strong: Transcript ENST00000440314 is not predicted to undergo NMD. Protein length change of 0.9165526675786594 observed.']